The following is an entry in ClinVar:

NM_002691.4(POLD1):c.197C>G (p.Ala66Gly)

Gene: POLD1 (DNA polymerase delta 1, catalytic subunit; plus strand). Cytogenetic location: 19q13.33.
Variant type: single nucleotide variant.
Coding change: c.197C>G on transcript NM_002691.4 (MANE Select); coding-DNA position 197, C replaced by G.
Protein change: p.Ala66Gly; replaces alanine 66 with glycine.
Molecular consequence: missense variant. On other transcripts: non-coding transcript variant (1).
Genome position (GRCh38, 1-based): chr19:50,399,048, C>G. VCF-style: chr19-50399048-C-G. GRCh37 (hg19) VCF-style: chr19-50902305-C-G.
Other names: c.197C>G, p.Ala66Gly (NM_001256849.1, NM_001308632.1); c.197C>G (NM_002691.2); short protein forms A66G.
Identifiers: ClinVar variation 408049 (VCV000408049.23), dbSNP rs199792522, ClinGen allele CA9595629.

ClinVar aggregate classification (germline): Conflicting classifications of pathogenicity. Review status: criteria provided, conflicting classifications (1 of 4 stars). 5 submissions from 5 submitters: Uncertain significance (2); Likely benign (3). Last evaluated 2026-04-15.

Conditions:
Hereditary cancer. Identifiers: MedGen C1333600.
Familial colorectal cancer. Identifiers: MedGen CN280943, MONDO:0023113. Disease mechanism: loss of function.
Mandibular hypoplasia-deafness-progeroid syndrome. Also called: Mandibular hypoplasia, deafness, progeroid features, and lipodystrophy syndrome. Identifiers: Orphanet 363649, MedGen C3715192, MONDO:0014157, OMIM 615381.
Hereditary cancer-predisposing syndrome. Also called: Neoplastic Syndromes, Hereditary; Hereditary neoplastic syndrome; Hereditary Cancer Syndrome; Tumor predisposition. Identifiers: Orphanet 140162, MedGen C0027672, MeSH D009386, MONDO:0015356.
POLD1-related polyposis and colorectal cancer syndrome (CRCS10). Also called: Colorectal cancer, susceptibility to, 10; Colorectal cancer 10; COLORECTAL CANCER, SUSCEPTIBILITY TO, ON CHROMOSOME 19q. Identifiers: Orphanet 220460, MedGen C2675481, MONDO:0012953, OMIM 612591.

Allele frequency attached by ClinVar (database versions not stated): ExAC below 0.00001; gnomAD 0.00001 and 0.00002; TOPMed 0.00003; gnomAD exomes 0.00004; 1000 Genomes Project 30x 0.00031; 1000 Genomes Project 0.00040.
gnomAD v4.1: 86 of 1,552,826 alleles (0.0055%); highest among the groups gnomAD compares: Non-Finnish European, 0.0075%; no homozygotes.

Submissions (5):

Dasa
Classification: Likely benign. Last evaluated: 2026-04-15. Review status: criteria provided, single submitter. Criteria: DASA Assertion Criteria. Collection method: clinical testing. Allele origin: germline.
Comment: NM_002691.4(POLD1):c.197C>G (p.Ala66Gly) is a missense variant that results in the substitution of alanine with glycine. The variant context is inconsistent with a known disease-causing mechanism. Computational prediction algorithms are consistent with a benign effect. Therefore, based on the currently available evidence, this variant is classified as likely benign.

Labcorp Genetics (formerly Invitae), Labcorp
Classification: Uncertain significance for POLD1-related polyposis and colorectal cancer syndrome. Last evaluated: 2026-01-10. Review status: criteria provided, single submitter. Criteria: Invitae Variant Classification Sherloc (09022015). Collection method: clinical testing. Allele origin: germline.
Comment: This sequence change replaces alanine, which is neutral and non-polar, with glycine, which is neutral and non-polar, at codon 66 of the POLD1 protein (p.Ala66Gly). This variant is present in population databases (rs199792522, gnomAD 0.009%). This missense change has been observed in individual(s) with breast cancer (PMID: 35264596). ClinVar contains an entry for this variant (Variation ID: 408049). Invitae Evidence Modeling of protein sequence and biophysical properties (such as structural, functional, and spatial information, amino acid conservation, physicochemical variation, residue mobility, and thermodynamic stability) indicates that this missense variant is not expected to disrupt POLD1 protein function with a negative predictive value of 80%. In summary, the available evidence is currently insufficient to determine the role of this variant in disease. Therefore, it has been classified as a Variant of Uncertain Significance.

GeneDx
Classification: Uncertain significance. Last evaluated: 2025-05-05. Review status: criteria provided, single submitter. Criteria: GeneDx Variant Classification Process June 2021. Collection method: clinical testing. Allele origin: germline. Affected: yes.
Comment: Observed in a patient with breast cancer (PMID: 35264596); In silico analysis suggests that this missense variant does not alter protein structure/function; This variant is associated with the following publications: (PMID: 35264596)

Ambry Genetics
Classification: Likely benign for Hereditary cancer-predisposing syndrome. Last evaluated: 2024-12-09. Review status: criteria provided, single submitter. Criteria: Ambry Variant Classification Scheme 2023. Collection method: clinical testing. Allele origin: germline.

Mendelics
Classification: Likely benign for Hereditary cancer. Last evaluated: 2024-01-23. Review status: criteria provided, single submitter. Criteria: ACMG Guidelines, 2015. Collection method: clinical testing. Allele origin: unknown.

Literature cited by the submitters: PubMed 35264596 (cited by Labcorp Genetics (formerly Invitae), Labcorp).